The following is an entry in ClinVar:

NM_025114.4(CEP290):c.4795T>C (p.Phe1599Leu)

Gene: CEP290 (centrosomal protein 290; minus strand). Cytogenetic location: 12q21.32.
Variant type: single nucleotide variant.
Coding change: c.4795T>C on transcript NM_025114.4 (MANE Select); coding-DNA position 4795, T replaced by C.
Protein change: p.Phe1599Leu; replaces phenylalanine 1599 with leucine.
Molecular consequence: missense variant.
Genome position (GRCh38, 1-based): chr12:88,083,864, A>G on the plus strand (T>C on the coding strand, the complement: CEP290 is on the minus strand). VCF-style: chr12-88083864-A-G. GRCh37 (hg19) VCF-style: chr12-88477641-A-G.
Other names: c.4795T>C (NM_025114.3); short protein forms F1599L.
Identifiers: ClinVar variation 2161932 (VCV002161932.5), dbSNP rs372850927, ClinGen allele CA241157360.
Genomic context (GRCh38, chr12:88,083,864, plus strand): 5'-ACAAAAATCAATAAAGAATGGAACAAAGTTCTTAGAATCTTACCCAAGCCGTTTGTTTGA[A>G]TTTATTTAGTGAACTATCAGCCTGTAGTTCTAATCTGTGATGAAGAATATGAAGGTCTTC-3'
Protein context (NP_079390.3, residues 1589-1609): ELQADSSLNK[Phe1599Leu]KQTAWDLMKQ

ClinVar aggregate classification (germline): Uncertain significance. Review status: criteria provided, multiple submitters, no conflicts (2 of 4 stars). 3 submissions from 3 submitters: Uncertain significance (3). Last evaluated 2025-02-05.

Conditions:
CEP290-related disorder. Also called: CEP290-related disorders; CEP290-related condition. Identifiers: MedGen CN239314.
Bardet-Biedl syndrome 14 (BBS14). Identifiers: Orphanet 110, MedGen C2673874, MONDO:0014442, OMIM 615991.
Joubert syndrome 5 (JBTS5). Identifiers: Orphanet 2318, MedGen C1857780, MONDO:0012432, OMIM 610188.
Leber congenital amaurosis 10 (LCA10). Identifiers: Orphanet 65, MedGen C1857821, MONDO:0012723, OMIM 611755.
Meckel syndrome, type 4 (MKS4). Also called: MECKEL-GRUBER SYNDROME, TYPE 4. Identifiers: Orphanet 564, MedGen C1970161, MONDO:0012626, OMIM 611134.
Senior-Loken syndrome 6 (SLSN6). Identifiers: Orphanet 3156, MedGen C1857779, MONDO:0012433, OMIM 610189.
Joubert syndrome. Also called: JOUBERT-BOLTSHAUSER SYNDROME; Familial aplasia of the vermis. Identifiers: Orphanet 475, MedGen C5979921, MONDO:0018772.
Nephronophthisis. Also called: Juvenile Nephronophthisis. Identifiers: Orphanet 655, MedGen C0687120, MONDO:0019005, HP:0000090.
Meckel-Gruber syndrome. Also called: DYSENCEPHALIA SPLANCHNOCYSTICA; GRUBER SYNDROME; Dysencephalia splachnocystica. Identifiers: Orphanet 564, MedGen C0265215, MONDO:0018921.

Allele frequency attached by ClinVar (database versions not stated): gnomAD exomes below 0.00001; gnomAD 0.00001; ESP Exome Variant Server 0.00009; TOPMed 0.00002.
gnomAD v4.1: 4 of 1,582,210 alleles (0.00025%); highest among the groups gnomAD compares: African/African-American, 0.0054%; no homozygotes.

Submissions (3):

PreventionGenetics, part of Exact Sciences
Classification: Uncertain significance for CEP290-related condition. Last evaluated: 2025-02-05. Review status: criteria provided, single submitter. Criteria: ACMG Guidelines, 2015. Collection method: clinical testing. Allele origin: germline.
Comment: The CEP290 c.4795T>C variant is predicted to result in the amino acid substitution p.Phe1599Leu. To our knowledge, this variant has not been reported in the literature. This variant is reported in 0.0045% of alleles in individuals of African descent in gnomAD. At this time, the clinical significance of this variant is uncertain due to the absence of conclusive functional and genetic evidence.

Fulgent Genetics
Classification: Uncertain significance for Joubert syndrome 5; Senior-Loken syndrome 6; Meckel syndrome, type 4; Leber congenital amaurosis 10; Bardet-Biedl syndrome 14. Last evaluated: 2024-05-03. Review status: criteria provided, single submitter. Criteria: ACMG Guidelines, 2015. Collection method: clinical testing. Allele origin: germline.

Labcorp Genetics (formerly Invitae), Labcorp
Classification: Uncertain significance for Joubert syndrome; Meckel-Gruber syndrome; Nephronophthisis. Last evaluated: 2022-07-15. Review status: criteria provided, single submitter. Criteria: Invitae Variant Classification Sherloc (09022015). Collection method: clinical testing. Allele origin: germline.
Comment: This variant is present in population databases (rs372850927, gnomAD 0.004%). This sequence change replaces phenylalanine, which is neutral and non-polar, with leucine, which is neutral and non-polar, at codon 1599 of the CEP290 protein (p.Phe1599Leu). This variant has not been reported in the literature in individuals affected with CEP290-related conditions. Algorithms developed to predict the effect of missense changes on protein structure and function are either unavailable or do not agree on the potential impact of this missense change (SIFT: "Tolerated"; PolyPhen-2: "Probably Damaging"; Align-GVGD: "Class C0"). In summary, the available evidence is currently insufficient to determine the role of this variant in disease. Therefore, it has been classified as a Variant of Uncertain Significance.